The following is an entry in ClinVar:

NM_005546.4(ITK):c.822C>T (p.Thr274=)

Gene: ITK (IL2 inducible T cell kinase; plus strand). Cytogenetic location: 5q33.3.
Variant type: single nucleotide variant.
Coding change: c.822C>T on transcript NM_005546.4 (MANE Select); coding-DNA position 822, C replaced by T.
Protein change: p.Thr274=; no amino-acid change (threonine 274 retained).
Molecular consequence: synonymous variant.
Genome position (GRCh38, 1-based): chr5:157,238,162, C>T. VCF-style: chr5-157238162-C-T. GRCh37 (hg19) VCF-style: chr5-156665172-C-T.
Identifiers: ClinVar variation 736640 (VCV000736640.12), dbSNP rs200351890, ClinGen allele CA3532905.
Genomic context (GRCh38, chr5:157,238,162, plus strand): 5'-ATTCCAGGGCAAAGAAGGAGCCTTCATGGTAAGGGATTCCAGGACTGCAGGAACATACAC[C>T]GTGTCTGTTTTCACCAAGGCTGTTGTAAGGTATGGAGCTAACTCTGCTCAGCAAAGTGGA-3'
Protein context (NP_005537.3, residues 264-284): VRDSRTAGTY[Thr274=]VSVFTKAVVS

ClinVar aggregate classification (germline): Likely benign. Review status: criteria provided, multiple submitters, no conflicts (2 of 4 stars). 3 submissions from 3 submitters: Likely benign (3). Last evaluated 2026-01-27.

Conditions:
Lymphoproliferative syndrome 1 (LPFS1). Identifiers: Orphanet 238505, Orphanet 538963, MedGen C3552634, MONDO:0013081, OMIM 613011.
ITK-related disorder. Also called: ITK-related condition.

Allele frequency attached by ClinVar (database versions not stated): TOPMed 0.00014; gnomAD 0.00015 and 0.00017; ExAC 0.00017.
gnomAD v4.1: 397 of 1,613,584 alleles (0.025%); highest among the groups gnomAD compares: Admixed American, 0.033%; no homozygotes.

Submissions (3):

Labcorp Genetics (formerly Invitae), Labcorp
Classification: Likely benign for Lymphoproliferative syndrome 1. Last evaluated: 2026-01-27. Review status: criteria provided, single submitter. Criteria: Invitae Variant Classification Sherloc (09022015). Collection method: clinical testing. Allele origin: germline.

PreventionGenetics, part of Exact Sciences
Classification: Likely benign for ITK-related condition. Last evaluated: 2025-09-22. Review status: criteria provided, single submitter. Criteria: ACMG Guidelines, 2015. Collection method: clinical testing. Allele origin: germline.
Comment: This variant is classified as likely benign based on ACMG/AMP sequence variant interpretation guidelines (Richards et al. 2015 PMID: 25741868, with internal and published modifications).

Blueprint Genetics
Classification: Likely benign. Last evaluated: 2024-10-08. Review status: criteria provided, single submitter. Criteria: ACMG Guidelines, 2015. Collection method: clinical testing. Allele origin: germline.